The following is an entry in ClinVar:

ClinVar aggregate classification (germline): Uncertain significance (1 of 4 stars; one submission).

Allele frequency attached by ClinVar (database versions not stated): gnomAD exomes below 0.00001.
gnomAD v4.1: 5 of 1,613,978 alleles (0.00031%); highest among the groups gnomAD compares: East Asian, 0.0022%; no homozygotes.

Submission:

Labcorp Genetics (formerly Invitae), Labcorp
Classification: Uncertain significance. Last evaluated: 2021-11-04. Review status: criteria provided, single submitter. Criteria: Invitae Variant Classification Sherloc (09022015). Collection method: clinical testing. Allele origin: germline.
Comment: In summary, the available evidence is currently insufficient to determine the role of this variant in disease. Therefore, it has been classified as a Variant of Uncertain Significance. Algorithms developed to predict the effect of missense changes on protein structure and function output the following: SIFT: "Tolerated"; PolyPhen-2: "Benign"; Align-GVGD: "Class C0". The alanine amino acid residue is found in multiple mammalian species, which suggests that this missense change does not adversely affect protein function. This variant has not been reported in the literature in individuals affected with IGSF10-related conditions. This variant is not present in population databases (gnomAD no frequency). This sequence change replaces threonine, which is neutral and polar, with alanine, which is neutral and non-polar, at codon 863 of the IGSF10 protein (p.Thr863Ala).

NM_178822.5(IGSF10):c.2587A>G (p.Thr863Ala)

Gene: IGSF10 (immunoglobulin superfamily member 10; minus strand). Cytogenetic location: 3q25.1.
Variant type: single nucleotide variant.
Coding change: c.2587A>G on transcript NM_178822.5 (MANE Select); coding-DNA position 2587, A replaced by G.
Protein change: p.Thr863Ala; replaces threonine 863 with alanine.
Molecular consequence: missense variant.
Genome position (GRCh38, 1-based): chr3:151,447,394, T>C on the plus strand (A>G on the coding strand, the complement: IGSF10 is on the minus strand). VCF-style: chr3-151447394-T-C. GRCh37 (hg19) VCF-style: chr3-151165182-T-C.
Other names: c.2587A>G, p.Thr863Ala (NM_001385060.1, NM_001385061.1, NM_001385062.1 and 1 more transcripts); short protein forms T863A.
Identifiers: ClinVar variation 1413752 (VCV001413752.6), dbSNP rs2108553398, ClinGen allele CA354999921.